The following is an entry in ClinVar:

NM_001042492.3(NF1):c.5266A>T (p.Lys1756Ter)

Gene: NF1 (neurofibromin 1; plus strand). Cytogenetic location: 17q11.2.
Variant type: single nucleotide variant.
Coding change: c.5266A>T on transcript NM_001042492.3 (MANE Select); coding-DNA position 5266, A replaced by T.
Protein change: p.Lys1756Ter; replaces lysine 1756 with a stop codon.
Molecular consequence: nonsense.
Genome position (GRCh38, 1-based): chr17:31,326,250, A>T. VCF-style: chr17-31326250-A-T. GRCh37 (hg19) VCF-style: chr17-29653268-A-T.
Other names: c.5203A>T, p.Lys1735Ter (NM_000267.4); short protein forms K1735*, K1756*.
Identifiers: ClinVar variation 2137988 (VCV002137988.5), dbSNP rs2151539117, ClinGen allele CA399008414.

ClinVar aggregate classification (germline): Pathogenic. Review status: criteria provided, multiple submitters, no conflicts (2 of 4 stars). 2 submissions from 2 submitters: Pathogenic (2). Last evaluated 2026-04-22.

Conditions:
Neurofibromatosis, type 1 (NF1). Also called: Peripheral type neurofibromatosis; VON RECKLINGHAUSEN DISEASE; Neurofibromatosis, type I; NEUROFIBROMATOSIS, TYPE I, SOMATIC. Identifiers: Orphanet 636, MedGen C0027831, MONDO:0018975, OMIM 162200. Disease mechanism: loss of function.

Submissions (2):

GeneDx
Classification: Pathogenic. Last evaluated: 2026-04-22. Review status: criteria provided, single submitter. Criteria: GeneDx Variant Classification Process June 2021. Collection method: clinical testing. Allele origin: germline.
Comment: Nonsense variant predicted to result in protein truncation or nonsense mediated decay in a gene for which loss of function is a known mechanism of disease; Not observed at significant frequency in large population cohorts (gnomAD); This variant is associated with the following publications: (PMID: 29673180, 25074460)

Labcorp Genetics (formerly Invitae), Labcorp
Classification: Pathogenic for Neurofibromatosis, type 1. Last evaluated: 2022-05-13. Review status: criteria provided, single submitter. Criteria: Invitae Variant Classification Sherloc (09022015). Collection method: clinical testing. Allele origin: germline.
Comment: For these reasons, this variant has been classified as Pathogenic. Algorithms developed to predict the effect of sequence changes on RNA splicing suggest that this variant may create or strengthen a splice site. This premature translational stop signal has been observed in individual(s) with neurofibromatosis, type 1 (PMID: 25074460). This variant is not present in population databases (gnomAD no frequency). This sequence change creates a premature translational stop signal (p.Lys1735*) in the NF1 gene. It is expected to result in an absent or disrupted protein product. Loss-of-function variants in NF1 are known to be pathogenic (PMID: 10712197, 23913538).

Literature cited by the submitters: PubMed 25074460 (cited by Labcorp Genetics (formerly Invitae), Labcorp); PubMed 10712197 (cited by Labcorp Genetics (formerly Invitae), Labcorp); PubMed 23913538 (cited by Labcorp Genetics (formerly Invitae), Labcorp).